The following is an entry in ClinVar:

NM_000718.4(CACNA1B):c.4273A>G (p.Lys1425Glu)

Gene: CACNA1B (calcium voltage-gated channel subunit alpha1 B; plus strand). Cytogenetic location: 9q34.3.
Variant type: single nucleotide variant.
Coding change: c.4273A>G on transcript NM_000718.4 (MANE Select); coding-DNA position 4273, A replaced by G.
Protein change: p.Lys1425Glu; replaces lysine 1425 with glutamic acid.
Molecular consequence: missense variant.
Genome position (GRCh38, 1-based): chr9:138,058,215, A>G. VCF-style: chr9-138058215-A-G. GRCh37 (hg19) VCF-style: chr9-140952667-A-G.
Other names: c.4273A>G, p.Lys1425Glu (NM_001243812.2); short protein forms K1425E.
Identifiers: ClinVar variation 2012716 (VCV002012716.1), dbSNP rs1554753681, ClinGen allele CA375814266.

ClinVar aggregate classification (germline): Uncertain significance (1 of 4 stars; one submission).

Submission:

Labcorp Genetics (formerly Invitae), Labcorp
Classification: Uncertain significance. Last evaluated: 2022-07-01. Review status: criteria provided, single submitter. Criteria: Invitae Variant Classification Sherloc (09022015). Collection method: clinical testing. Allele origin: germline.
Comment: This sequence change replaces lysine, which is basic and polar, with glutamic acid, which is acidic and polar, at codon 1425 of the CACNA1B protein (p.Lys1425Glu). This variant is not present in population databases (gnomAD no frequency). This variant has not been reported in the literature in individuals affected with CACNA1B-related conditions. Algorithms developed to predict the effect of missense changes on protein structure and function are either unavailable or do not agree on the potential impact of this missense change (SIFT: "Tolerated"; PolyPhen-2: "Possibly Damaging"; Align-GVGD: "Class C0"). In summary, the available evidence is currently insufficient to determine the role of this variant in disease. Therefore, it has been classified as a Variant of Uncertain Significance.